The following is an entry in ClinVar:

NM_017534.6(MYH2):c.4277G>A (p.Arg1426Gln)

Genes: MYH2 (myosin heavy chain 2; minus strand), MYHAS (myosin heavy chain gene cluster antisense RNA; plus strand). Cytogenetic location: 17p13.1.
Variant type: single nucleotide variant.
Coding change: c.4277G>A on transcript NM_017534.6 (MANE Select); coding-DNA position 4277, G replaced by A.
Protein change: p.Arg1426Gln; replaces arginine 1426 with glutamine.
Molecular consequence: missense variant.
Genome position (GRCh38, 1-based): chr17:10,525,787, C>T on the plus strand (G>A on the coding strand, the complement: MYH2 is on the minus strand). VCF-style: chr17-10525787-C-T. GRCh37 (hg19) VCF-style: chr17-10429104-C-T.
Other names: c.4277G>A, p.Arg1426Gln (NM_001100112.2); short protein forms R1426Q.
Identifiers: ClinVar variation 2717878 (VCV002717878.16), dbSNP rs772223576, ClinGen allele CA8390675.

ClinVar aggregate classification (germline): Uncertain significance. Review status: criteria provided, multiple submitters, no conflicts (2 of 4 stars). 2 submissions from 2 submitters: Uncertain significance (2). Last evaluated 2025-01-01.

Conditions:
Myopathy, proximal, and ophthalmoplegia (CMYO6). Also called: CONGENITAL MYOPATHY 6 WITH OPHTHALMOPLEGIA; MYOPATHY WITH CONGENITAL JOINT CONTRACTURES, OPHTHALMOPLEGIA, AND RIMMED VACUOLES; INCLUSION BODY MYOPATHY 3, AUTOSOMAL DOMINANT. Identifiers: Orphanet 363677, Orphanet 79091, MedGen C1854106, MONDO:0011577, OMIM 605637.

Allele frequency attached by ClinVar (database versions not stated): ExAC 0.00002; gnomAD 0.00002; gnomAD exomes 0.00002; TOPMed 0.00002.
gnomAD v4.1: 27 of 1,614,174 alleles (0.0017%); highest among the groups gnomAD compares: Non-Finnish European, 0.0021%; no homozygotes.

Submissions (2):

CeGaT Center for Human Genetics Tuebingen
Classification: Uncertain significance. Last evaluated: 2025-01-01. Review status: criteria provided, single submitter. Criteria: CeGaT Center For Human Genetics Tuebingen Variant Classification Criteria Version 2. Collection method: clinical testing. Allele origin: germline. Affected: yes. Observed: 1 variant allele.
Comment: MYH2: PM2

Labcorp Genetics (formerly Invitae), Labcorp
Classification: Uncertain significance for Myopathy, proximal, and ophthalmoplegia. Last evaluated: 2023-05-01. Review status: criteria provided, single submitter. Criteria: Invitae Variant Classification Sherloc (09022015). Collection method: clinical testing. Allele origin: germline.
Comment: In summary, the available evidence is currently insufficient to determine the role of this variant in disease. Therefore, it has been classified as a Variant of Uncertain Significance. Advanced modeling of protein sequence and biophysical properties (such as structural, functional, and spatial information, amino acid conservation, physicochemical variation, residue mobility, and thermodynamic stability) performed at Invitae indicates that this missense variant is not expected to disrupt MYH2 protein function. This variant has not been reported in the literature in individuals affected with MYH2-related conditions. This variant is present in population databases (rs772223576, gnomAD 0.003%). This sequence change replaces arginine, which is basic and polar, with glutamine, which is neutral and polar, at codon 1426 of the MYH2 protein (p.Arg1426Gln).